The following is an entry in ClinVar:

NM_001042492.3(NF1):c.654+2T>G

Gene: NF1 (neurofibromin 1; plus strand). Cytogenetic location: 17q11.2.
Variant type: single nucleotide variant.
Coding change: c.654+2T>G on transcript NM_001042492.3 (MANE Select); the canonical splice donor site of the intron after coding-DNA position 654, T replaced by G.
Molecular consequence: splice donor variant.
Genome position (GRCh38, 1-based): chr17:31,181,491, T>G. VCF-style: chr17-31181491-T-G. GRCh37 (hg19) VCF-style: chr17-29508509-T-G.
Other names: c.654+2T>G (NM_000267.4, NM_001128147.3).
Identifiers: ClinVar variation 2824520 (VCV002824520.3), dbSNP rs2143774762, ClinGen allele CA398989545.

ClinVar aggregate classification (germline): Pathogenic (1 of 4 stars; one submission).

Conditions:
Neurofibromatosis, type 1 (NF1). Also called: VON RECKLINGHAUSEN DISEASE; Peripheral type neurofibromatosis; Neurofibromatosis, type I; NEUROFIBROMATOSIS, TYPE I, SOMATIC. Identifiers: Orphanet 636, MedGen C0027831, MONDO:0018975, OMIM 162200. Disease mechanism: loss of function.

Submission:

Labcorp Genetics (formerly Invitae), Labcorp
Classification: Pathogenic for Neurofibromatosis, type 1. Last evaluated: 2025-02-11. Review status: criteria provided, single submitter. Criteria: Invitae Variant Classification Sherloc (09022015). Collection method: clinical testing. Allele origin: germline.
Comment: This sequence change affects a donor splice site in intron 6 of the NF1 gene. It is expected to disrupt RNA splicing. Variants that disrupt the donor or acceptor splice site typically lead to a loss of protein function (PMID: 16199547), and loss-of-function variants in NF1 are known to be pathogenic (PMID: 10712197, 23913538). This variant is not present in population databases (gnomAD no frequency). Disruption of this splice site has been observed in individual(s) with neurofibromatosis, type 1 (PMID: 21354044). ClinVar contains an entry for this variant (Variation ID: 2824520). Algorithms developed to predict the effect of sequence changes on RNA splicing suggest that this variant may disrupt the consensus splice site. For these reasons, this variant has been classified as Pathogenic.

Literature cited by the submitters: PubMed 16199547; PubMed 10712197; PubMed 23913538; PubMed 21354044.